The following is an entry in ClinVar:

NM_014515.7(CNOT2):c.758C>T (p.Ala253Val)

Gene: CNOT2 (CCR4-NOT transcription complex subunit 2; plus strand). Cytogenetic location: 12q15.
Variant type: single nucleotide variant.
Coding change: c.758C>T on transcript NM_014515.7 (MANE Select); coding-DNA position 758, C replaced by T.
Protein change: p.Ala253Val; replaces alanine 253 with valine.
Molecular consequence: missense variant. On other transcripts: non-coding transcript variant (1).
Genome position (GRCh38, 1-based): chr12:70,335,546, C>T. VCF-style: chr12-70335546-C-T. GRCh37 (hg19) VCF-style: chr12-70729326-C-T.
Other names: c.758C>T, p.Ala253Val (NM_001199302.2, NM_001199303.2, NM_001414651.1 and 1 more transcripts); c.731C>T, p.Ala244Val (NM_001414653.1, NM_001414654.1, NM_001414655.1); c.716C>T, p.Ala239Val (NM_001414656.1); c.698C>T, p.Ala233Val (NM_001414657.1, NM_001414658.1, NM_001414659.1 and 1 more transcripts); c.635C>T, p.Ala212Val (NM_001414661.1); c.575C>T, p.Ala192Val (NM_001414662.1); short protein forms A192V, A212V, A233V, A239V, A244V, A253V.
Identifiers: ClinVar variation 2506620 (VCV002506620.2), dbSNP rs2499157620, ClinGen allele CA385909458.
Genomic context (GRCh38, chr12:70,335,546, plus strand): 5'-TAGCAGACCGAAACAGGAGGGAAGGAAGTGGTAACCCAACTCCATTAATAAACCCCTTGG[C>T]TGGAAGAGCTCCTTATGGTAATTAAGCTTTTTAATGATGGCCAGTAGAAAGTTTCCATTG-3'
Protein context (NP_055330.1, residues 243-263): GNPTPLINPL[Ala253Val]GRAPYVGMVT

ClinVar aggregate classification (germline): Uncertain significance (1 of 4 stars; one submission).

Submission:

GeneDx
Classification: Uncertain significance. Last evaluated: 2025-07-08. Review status: criteria provided, single submitter. Criteria: GeneDx Variant Classification Process June 2021. Collection method: clinical testing. Allele origin: germline. Affected: yes.
Comment: Not observed at significant frequency in large population cohorts (gnomAD); In silico analysis suggests that this missense variant does not alter protein structure/function; Has not been previously published as pathogenic or benign to our knowledge